The following is an entry in ClinVar:

NM_198282.4(STING1):c.956A>G (p.Asp319Gly)

Gene: STING1 (stimulator of interferon response cGAMP interactor 1; minus strand). Cytogenetic location: 5q31.2.
Variant type: single nucleotide variant.
Coding change: c.956A>G on transcript NM_198282.4 (MANE Select); coding-DNA position 956, A replaced by G.
Protein change: p.Asp319Gly; replaces aspartic acid 319 with glycine.
Molecular consequence: missense variant.
Genome position (GRCh38, 1-based): chr5:139,476,445, T>C on the plus strand (A>G on the coding strand, the complement: STING1 is on the minus strand). VCF-style: chr5-139476445-T-C. GRCh37 (hg19) VCF-style: chr5-138856030-T-C.
Other names: c.769A>G, p.Met257Val (NM_001301738.2); c.599A>G, p.Asp200Gly (NM_001367258.1); short protein forms D200G, D319G, M257V.
Identifiers: ClinVar variation 4850555 (VCV004850555.1).

ClinVar aggregate classification (germline): Likely pathogenic (1 of 4 stars; one submission).

Conditions:
STING-associated vasculopathy with onset in infancy. Also called: Sting-associated vasculopathy, infantile-onset. Identifiers: Orphanet 425120, MedGen C4014722, MONDO:0014405, OMIM 615934.

Submission:

Département de Génétique, Hôpital Bichat, Assistance Publique Hôpitaux de Paris
Classification: Likely pathogenic for STING-associated vasculopathy with onset in infancy. Last evaluated: 2026-02-19. Review status: criteria provided, single submitter. Criteria: ACMG Guidelines, 2015. Collection method: clinical testing. Allele origin: germline. Affected: yes. Observed: 1 variant allele, 1 heterozygote.
Comment: PM2, PS3